The following is an entry in ClinVar:

NM_000038.6(APC):c.645+572T>C

Gene: APC (APC regulator of WNT signaling pathway; plus strand). Cytogenetic location: 5q22.2.
Variant type: single nucleotide variant.
Coding change: c.645+572T>C on transcript NM_000038.6 (MANE Select); 572 bases into the intron after coding-DNA position 645, T replaced by C.
Molecular consequence: intron variant.
Genome position (GRCh38, 1-based): chr5:112,781,475, T>C. VCF-style: chr5-112781475-T-C. GRCh37 (hg19) VCF-style: chr5-112117172-T-C.
Other names: c.645+572T>C (NM_001354895.2, NM_001127510.3, NM_001354896.2 and 2 more transcripts); c.675+572T>C (NM_001354897.2, NM_001354902.2, NM_001127511.3); c.570+572T>C (NM_001354898.2, NM_001354904.2); c.-391+572T>C (NM_001354906.2); c.468+572T>C (NM_001354900.2, NM_001354901.2, NM_001354905.2).
Identifiers: ClinVar variation 82941 (VCV000082941.2), dbSNP rs80191777, ClinGen allele CA011604.

ClinVar aggregate classification (germline): other (0 of 4 stars; one submission).

Conditions:
Familial colorectal cancer. Identifiers: MedGen CN280943, MONDO:0023113. Disease mechanism: loss of function.

Submission:

Systems Biology Platform Zhejiang California International NanoSystems Institute
Classification: other for Familial colorectal cancer. Review status: no assertion criteria provided. Collection method: not provided. Allele origin: unknown.
ClinVar note: Converted during submission from cancer to other.